The following is an entry in ClinVar:

ClinVar aggregate classification (germline): Uncertain significance (1 of 4 stars; one submission).

Submission:

Labcorp Genetics (formerly Invitae), Labcorp
Classification: Uncertain significance. Last evaluated: 2022-08-23. Review status: criteria provided, single submitter. Criteria: Invitae Variant Classification Sherloc (09022015). Collection method: clinical testing. Allele origin: germline.
Comment: This sequence change replaces methionine, which is neutral and non-polar, with arginine, which is basic and polar, at codon 609 of the ERBIN protein (p.Met609Arg). In summary, the available evidence is currently insufficient to determine the role of this variant in disease. Therefore, it has been classified as a Variant of Uncertain Significance. Algorithms developed to predict the effect of missense changes on protein structure and function are either unavailable or do not agree on the potential impact of this missense change (SIFT: "Deleterious"; PolyPhen-2: "Possibly Damaging"; Align-GVGD: "Class C0"). This variant has not been reported in the literature in individuals affected with ERBIN-related conditions. This variant is not present in population databases (gnomAD no frequency).

NM_001253697.2(ERBIN):c.1826T>G (p.Met609Arg)

Gene: ERBIN (erbb2 interacting protein; plus strand). Cytogenetic location: 5q12.3.
Variant type: single nucleotide variant.
Coding change: c.1826T>G on transcript NM_001253697.2 (MANE Select); coding-DNA position 1826, T replaced by G.
Protein change: p.Met609Arg; replaces methionine 609 with arginine.
Molecular consequence: missense variant.
Genome position (GRCh38, 1-based): chr5:66,048,704, T>G. VCF-style: chr5-66048704-T-G. GRCh37 (hg19) VCF-style: chr5-65344532-T-G.
Other names: c.1826T>G, p.Met609Arg (NM_001006600.3, NM_001253698.2, NM_001253699.2 and 1 more transcripts); c.1814T>G, p.Met605Arg (NM_001253701.2); short protein forms M605R, M609R.
Identifiers: ClinVar variation 2093964 (VCV002093964.4), dbSNP rs147096101, ClinGen allele CA359863517.